The following is an entry in ClinVar:

ClinVar aggregate classification (germline): Uncertain significance. Review status: criteria provided, multiple submitters, no conflicts (2 of 4 stars). 3 submissions from 3 submitters: Uncertain significance (3). Last evaluated 2025-03-30.

Conditions:
Inborn genetic diseases. Identifiers: MedGen C0950123, MeSH D030342.

Allele frequency attached by ClinVar (database versions not stated): gnomAD 0.00001; gnomAD exomes 0.00001; TOPMed 0.00003.
gnomAD v4.1: 12 of 1,209,523 alleles (0.00099%); highest among the groups gnomAD compares: Admixed American, 0.0066%; no homozygotes.

Submissions (3):

Labcorp Genetics (formerly Invitae), Labcorp
Classification: Uncertain significance. Last evaluated: 2025-03-30. Review status: criteria provided, single submitter. Criteria: Invitae Variant Classification Sherloc (09022015). Collection method: clinical testing. Allele origin: germline.
Comment: This sequence change replaces glutamine, which is neutral and polar, with glutamic acid, which is acidic and polar, at codon 583 of the FRMD7 protein (p.Gln583Glu). This variant is present in population databases (no rsID available, gnomAD 0.004%), including at least one homozygous and/or hemizygous individual. This variant has not been reported in the literature in individuals affected with FRMD7-related conditions. ClinVar contains an entry for this variant (Variation ID: 2192490). An algorithm developed to predict the effect of missense changes on protein structure and function outputs the following: PolyPhen-2: "Benign". The glutamic acid amino acid residue is found in multiple mammalian species, which suggests that this missense change does not adversely affect protein function. In summary, the available evidence is currently insufficient to determine the role of this variant in disease. Therefore, it has been classified as a Variant of Uncertain Significance.

Blueprint Genetics
Classification: Uncertain significance. Last evaluated: 2023-11-16. Review status: criteria provided, single submitter. Criteria: ACMG Guidelines, 2015. Collection method: clinical testing. Allele origin: germline.

Ambry Genetics
Classification: Uncertain significance for Inborn genetic diseases. Last evaluated: 2022-11-09. Review status: criteria provided, single submitter. Criteria: Ambry Variant Classification Scheme 2023. Collection method: clinical testing. Allele origin: germline.

NM_194277.3(FRMD7):c.1747C>G (p.Gln583Glu)

Gene: FRMD7 (FERM domain containing 7; minus strand). Cytogenetic location: Xq26.2.
Variant type: single nucleotide variant.
Coding change: c.1747C>G on transcript NM_194277.3 (MANE Select); coding-DNA position 1747, C replaced by G.
Protein change: p.Gln583Glu; replaces glutamine 583 with glutamic acid.
Molecular consequence: missense variant.
Genome position (GRCh38, 1-based): chrX:132,078,270, G>C on the plus strand (C>G on the coding strand, the complement: FRMD7 is on the minus strand). VCF-style: chrX-132078270-G-C. GRCh37 (hg19) VCF-style: chrX-131212298-G-C.
Other names: c.1702C>G, p.Gln568Glu (NM_001306193.2); short protein forms Q568E, Q583E.
Identifiers: ClinVar variation 2192490 (VCV002192490.6), dbSNP rs1431505669, ClinGen allele CA414678386.